The following is an entry in ClinVar:

NM_000868.4(HTR2C):c.999G>T (p.Leu333=)

Genes: HTR2C (5-hydroxytryptamine receptor 2C; plus strand), LOC126863306 (MED14-independent group 3 enhancer GRCh37_chrX:114140926-114142125; plus strand). Cytogenetic location: Xq23.
Variant type: single nucleotide variant.
Coding change: c.999G>T on transcript NM_000868.4 (MANE Select); coding-DNA position 999, G replaced by T.
Protein change: p.Leu333=; no amino-acid change (leucine 333 retained).
Molecular consequence: synonymous variant. On other transcripts: 3 prime UTR variant (1).
Genome position (GRCh38, 1-based): chrX:114,907,037, G>T. VCF-style: chrX-114907037-G-T. GRCh37 (hg19) VCF-style: chrX-114141600-G-T.
Other names: c.999G>T, p.Leu333= (NM_001256760.3); c.*157G>T (NM_001256761.3).
Identifiers: ClinVar variation 3354405 (VCV003354405.1).

ClinVar aggregate classification (germline): Likely benign (0 of 4 stars; one submission).

Conditions:
HTR2C-related disorder. Also called: HTR2C-related condition.

gnomAD v4.1: 7 of 1,208,595 alleles (0.00058%); highest among the groups gnomAD compares: Admixed American, 0.013%; no homozygotes.

Submission:

PreventionGenetics, part of Exact Sciences
Classification: Likely benign for HTR2C-related condition. Last evaluated: 2022-03-22. Review status: no assertion criteria provided. Collection method: clinical testing. Allele origin: germline.
Comment: This variant is classified as likely benign based on ACMG/AMP sequence variant interpretation guidelines (Richards et al. 2015 PMID: 25741868, with internal and published modifications).